The following is an entry in ClinVar:

NM_001042424.3(NSD2):c.2856A>G (p.Arg952=)

Gene: NSD2 (nuclear receptor binding SET domain protein 2; plus strand). Cytogenetic location: 4p16.3.
Variant type: single nucleotide variant.
Coding change: c.2856A>G on transcript NM_001042424.3 (MANE Select); coding-DNA position 2856, A replaced by G.
Protein change: p.Arg952=; no amino-acid change (arginine 952 retained).
Molecular consequence: synonymous variant.
Genome position (GRCh38, 1-based): chr4:1,956,163, A>G. VCF-style: chr4-1956163-A-G. GRCh37 (hg19) VCF-style: chr4-1957890-A-G.
Other names: c.2856A>G, p.Arg952= (NM_133330.3, NM_133331.3, NM_133335.4).
Identifiers: ClinVar variation 3898574 (VCV003898574.7).
Genomic context (GRCh38, chr4:1,956,163, plus strand): 5'-TCAGGCGCGAGTGTTCCCGTACATGGAGGGGGACCGGGGCAGCCGCTACCAGGGGGTCAG[A>G]GGGATCGGAAGAGTCTTCAAAAACGGTACGGAGATATTCAGATAGAGAGTGAGACAGCAC-3'
Protein context (NP_001035889.1, residues 942-962): GDRGSRYQGV[Arg952=]GIGRVFKNAL

ClinVar aggregate classification (germline): Likely benign (1 of 4 stars; one submission).

Submission:

CeGaT Center for Human Genetics Tuebingen
Classification: Likely benign. Last evaluated: 2025-04-01. Review status: criteria provided, single submitter. Criteria: CeGaT Center For Human Genetics Tuebingen Variant Classification Criteria Version 2. Collection method: clinical testing. Allele origin: germline. Affected: yes. Observed: 1 variant allele.
Comment: NSD2: PM2:Supporting, BP4, BP7